The following is an entry in ClinVar:

ClinVar aggregate classification (germline): Uncertain significance (1 of 4 stars; one submission).

Conditions:
Hyperkalemic periodic paralysis. Also called: Familial hyperkalemic periodic paralysis; Gamstorp disease. Identifiers: Orphanet 682, MedGen C0238357, MONDO:0008224, OMIM 170500, HP:0007215.

Submission:

Labcorp Genetics (formerly Invitae), Labcorp
Classification: Uncertain significance for Hyperkalemic periodic paralysis. Last evaluated: 2021-03-26. Review status: criteria provided, single submitter. Criteria: Invitae Variant Classification Sherloc (09022015). Collection method: clinical testing. Allele origin: germline.
Comment: In summary, the available evidence is currently insufficient to determine the role of this variant in disease. Therefore, it has been classified as a Variant of Uncertain Significance. Algorithms developed to predict the effect of missense changes on protein structure and function (SIFT, PolyPhen-2, Align-GVGD) all suggest that this variant is likely to be disruptive, but these predictions have not been confirmed by published functional studies and their clinical significance is uncertain. This variant has not been reported in the literature in individuals with SCN4A-related conditions. This variant is not present in population databases (ExAC no frequency). This sequence change replaces arginine with proline at codon 1129 of the SCN4A protein (p.Arg1129Pro). The arginine residue is highly conserved and there is a moderate physicochemical difference between arginine and proline.

NM_000334.4(SCN4A):c.3386G>C (p.Arg1129Pro)

Genes: GH-LCR (growth hormone locus control region; plus strand), SCN4A (sodium voltage-gated channel alpha subunit 4; minus strand). Cytogenetic location: 17q23.3.
Variant type: single nucleotide variant.
Coding change: c.3386G>C on transcript NM_000334.4 (MANE Select); coding-DNA position 3386, G replaced by C.
Protein change: p.Arg1129Pro; replaces arginine 1129 with proline.
Molecular consequence: missense variant.
Genome position (GRCh38, 1-based): chr17:63,947,100, C>G on the plus strand (G>C on the coding strand, the complement: SCN4A is on the minus strand). VCF-style: chr17-63947100-C-G. GRCh37 (hg19) VCF-style: chr17-62024460-C-G.
Other names: short protein forms R1129P.
Identifiers: ClinVar variation 1519997 (VCV001519997.8), dbSNP rs527236149, ClinGen allele CA292962517.